The following is an entry in ClinVar:

ClinVar aggregate classification (germline): Uncertain significance. Review status: criteria provided, multiple submitters, no conflicts (2 of 4 stars). 7 submissions from 7 submitters: Uncertain significance (6). 1 of the submissions does not count toward it. Last evaluated 2025-10-28.

Conditions:
Cystic fibrosis (CF). Also called: MUCOVISCIDOSIS. Identifiers: Orphanet 586, MedGen C0010674, MONDO:0009061, OMIM 219700. Disease mechanism: loss of function.
Bronchiectasis with or without elevated sweat chloride 1 (BESC1). Also called: Cystic Fibrosis-Like Syndrome. Identifiers: Orphanet 60033, MedGen C2749757, MONDO:0008887, OMIM 211400.
Congenital bilateral aplasia of vas deferens from CFTR mutation (CBAVD). Identifiers: Orphanet 48, MedGen C0403814, MONDO:0010178, OMIM 277180. Disease mechanism: loss of function.
Hereditary pancreatitis (PCTT). Also called: PRSS1-Related Hereditary Pancreatitis; Hereditary chronic pancreatitis. Identifiers: Orphanet 676, MedGen C0238339, MONDO:0008185, OMIM 167800.

Allele frequency attached by ClinVar (database versions not stated): TOPMed 0.00005; ExAC 0.00008; gnomAD exomes 0.00003 and 0.00004; gnomAD 0.00005 and 0.00006; ESP Exome Variant Server 0.00008.
gnomAD v4.1: 54 of 1,534,200 alleles (0.0035%); highest among the groups gnomAD compares: Non-Finnish European, 0.0044%; no homozygotes.

Submissions (7):

Women's Health and Genetics/Laboratory Corporation of America, LabCorp
Classification: Uncertain significance. Last evaluated: 2025-10-28. Review status: criteria provided, single submitter. Criteria: LabCorp Variant Classification Summary - May 2015. Collection method: clinical testing. Allele origin: germline.
Comment: Variant summary: CFTR c.2450G>T (p.Gly817Val) results in a non-conservative amino acid change located in the CFTR regulator domain (IPR025837) of the encoded protein sequence. Algorithms developed to predict the effect of missense changes on protein structure and function are either unavailable or do not agree on the potential impact of this missense change. The variant allele was found at a frequency of 4.3e-05 in 186888 control chromosomes. The available data on variant occurrences in the general population are insufficient to allow any conclusion about variant significance. c.2450G>T has been reported in the literature in individuals affected with Cystic Fibrosis and CBAVD without strong evidence for causality (Pagin_2016, Poulou_2012). These reports do not provide unequivocal conclusions about association of the variant with Cystic Fibrosis. To our knowledge, no experimental evidence demonstrating an impact on protein function has been reported. The following publications have been ascertained in the context of this evaluation (PMID: 22326559, 26900683). ClinVar contains an entry for this variant (Variation ID: 455766). Based on the evidence outlined above, the variant was classified as uncertain significance.

Ambry Genetics
Classification: Uncertain significance for Cystic fibrosis. Last evaluated: 2025-01-28. Review status: criteria provided, single submitter. Criteria: Ambry Variant Classification Scheme 2023. Collection method: clinical testing. Allele origin: germline.
Comment: The p.G817V variant (also known as c.2450G>T), located in coding exon 14 of the CFTR gene, results from a G to T substitution at nucleotide position 2450. The glycine at codon 817 is replaced by valine, an amino acid with dissimilar properties. This alteration was reported in an individual with congenital bilateral absence of the vas deferens (CBAVD) (Poulou M et al. J. Cyst. Fibros., 2012 Jul;11:344-8). This amino acid position is poorly conserved in available vertebrate species. In addition, the in silico prediction for this alteration is inconclusive. Since supporting evidence is limited at this time, the clinical significance of this alteration remains unclear.

Labcorp Genetics (formerly Invitae), Labcorp
Classification: Uncertain significance for Cystic fibrosis. Last evaluated: 2024-10-31. Review status: criteria provided, single submitter. Criteria: Invitae Variant Classification Sherloc (09022015). Collection method: clinical testing. Allele origin: germline.
Comment: This sequence change replaces glycine, which is neutral and non-polar, with valine, which is neutral and non-polar, at codon 817 of the CFTR protein (p.Gly817Val). This variant is present in population databases (rs148604667, gnomAD 0.009%). This missense change has been observed in individual(s) with chronic obstructive pulmonary disease and/or congenital absence of the vas deferens (PMID: 22326559, 34996830). ClinVar contains an entry for this variant (Variation ID: 455766). Invitae Evidence Modeling of protein sequence and biophysical properties (such as structural, functional, and spatial information, amino acid conservation, physicochemical variation, residue mobility, and thermodynamic stability) indicates that this missense variant is not expected to disrupt CFTR protein function with a negative predictive value of 80%. In summary, the available evidence is currently insufficient to determine the role of this variant in disease. Therefore, it has been classified as a Variant of Uncertain Significance.

ARUP Laboratories, Molecular Genetics and Genomics, ARUP Laboratories
Classification: Uncertain significance. Last evaluated: 2023-06-01. Review status: criteria provided, single submitter. Criteria: ARUP Molecular Germline Variant Investigation Process 2024. Collection method: clinical testing. Allele origin: germline.
Comment: The CFTR c.2450G>T; p.Gly817Val variant (rs148604667) is reported in an individual with congenital bilateral absence of the vas deferens, but without a pathogenic variant on the other allele reported (Poulou 2012). This variant is also reported in ClinVar (Variation ID: 455766). It is observed in the general population with an overall allele frequency of 0.004% (8/186888 alleles) in the Genome Aggregation Database. Computational analyses are uncertain whether this variant is neutral or deleterious (REVEL: 0.286). Due to limited information, the clinical significance of this variant is uncertain at this time. References: Poulou M et al. Cystic fibrosis genetic counseling difficulties due to the identification of novel mutations in the CFTR gene. J Cyst Fibros. 2012 Jul;11(4):344-8. PMID: 22326559.

Fulgent Genetics
Classification: Uncertain significance for Hereditary pancreatitis; Bronchiectasis with or without elevated sweat chloride 1; Cystic fibrosis; Congenital bilateral aplasia of vas deferens from CFTR mutation. Last evaluated: 2022-01-27. Review status: criteria provided, single submitter. Criteria: ACMG Guidelines, 2015. Collection method: clinical testing. Allele origin: unknown.

Genome-Nilou Lab
Classification: Uncertain significance for Cystic fibrosis. Last evaluated: 2021-09-05. Review status: criteria provided, single submitter. Criteria: ACMG Guidelines, 2015. Collection method: clinical testing. Allele origin: germline. Affected: no.

Natera, Inc.
Classification: Uncertain significance for Cystic Fibrosis. Last evaluated: 2020-09-16. Review status: no assertion criteria provided. Collection method: clinical testing. Allele origin: germline. Not counted in ClinVar's aggregate classification.

Literature cited by the submitters: PubMed 22326559 (cited by 3 submitters); PubMed 26900683 (cited by Women's Health and Genetics/Laboratory Corporation of America, LabCorp); PubMed 34996830 (cited by Labcorp Genetics (formerly Invitae), Labcorp).

NM_000492.4(CFTR):c.2450G>T (p.Gly817Val)

Gene: CFTR (CF transmembrane conductance regulator; plus strand). Cytogenetic location: 7q31.2.
Variant type: single nucleotide variant.
Coding change: c.2450G>T on transcript NM_000492.4 (MANE Select); coding-DNA position 2450, G replaced by T.
Protein change: p.Gly817Val; replaces glycine 817 with valine.
Molecular consequence: missense variant.
Genome position (GRCh38, 1-based): chr7:117,592,617, G>T. VCF-style: chr7-117592617-G-T. GRCh37 (hg19) VCF-style: chr7-117232671-G-T.
Other names: short protein forms G817V.
Identifiers: ClinVar variation 455766 (VCV000455766.20), dbSNP rs148604667, ClinGen allele CA4451183.